The following is an entry in ClinVar:

ClinVar aggregate classification (germline): Uncertain significance. Review status: criteria provided, multiple submitters, no conflicts (2 of 4 stars). 3 submissions from 3 submitters: Uncertain significance (3). Last evaluated 2023-07-20.

Conditions:
Benign neonatal seizures. Also called: Convulsions benign familial neonatal dominant form; Autosomal dominant form of benign neonatal seizures; Benign familial neonatal seizures; Benign neonatal familial convulsions; Benign familial neonatal epilepsy. Identifiers: Orphanet 1949, MedGen C0220669, MONDO:0016027.

Allele frequency attached by ClinVar (database versions not stated): gnomAD 0.00001; gnomAD exomes 0.00001 and 0.00002; ExAC 0.00002; TOPMed 0.00002.
gnomAD v4.1: 15 of 1,614,168 alleles (0.00093%); highest among the groups gnomAD compares: African/African-American, 0.004%; no homozygotes.

Submissions (3):

Labcorp Genetics (formerly Invitae), Labcorp
Classification: Uncertain significance for Benign neonatal seizures. Last evaluated: 2023-07-20. Review status: criteria provided, single submitter. Criteria: Invitae Variant Classification Sherloc (09022015). Collection method: clinical testing. Allele origin: germline.
Comment: This sequence change replaces glycine, which is neutral and non-polar, with serine, which is neutral and polar, at codon 849 of the KCNQ3 protein (p.Gly849Ser). This variant is present in population databases (rs761201259, gnomAD 0.007%). This variant has not been reported in the literature in individuals affected with KCNQ3-related conditions. ClinVar contains an entry for this variant (Variation ID: 449652). Advanced modeling of protein sequence and biophysical properties (such as structural, functional, and spatial information, amino acid conservation, physicochemical variation, residue mobility, and thermodynamic stability) performed at Invitae indicates that this missense variant is not expected to disrupt KCNQ3 protein function. In summary, the available evidence is currently insufficient to determine the role of this variant in disease. Therefore, it has been classified as a Variant of Uncertain Significance.

Mayo Clinic Laboratories, Mayo Clinic
Classification: Uncertain significance. Last evaluated: 2021-12-21. Review status: criteria provided, single submitter. Criteria: ACMG Guidelines, 2015. Collection method: clinical testing. Allele origin: germline.

GeneDx
Classification: Uncertain significance. Last evaluated: 2017-09-06. Review status: criteria provided, single submitter. Criteria: GeneDx Variant Classification (06012015). Collection method: clinical testing. Allele origin: germline. Affected: yes.
Comment: A variant of uncertain significance has been identified in the KCNQ3 gene. The G849S variant has not been published as a pathogenic variant, nor has it been reported as a benign variant to our knowledge. The G849S variant is not observed at a significant frequency in large population cohorts (Lek et al., 2016; 1000 Genomes Consortium et al., 2015; Exome Variant Server). The G849S variant is a non-conservative amino acid substitution, which is likely to impact secondary protein structure as these residues differ in polarity, charge, size and/or other properties. Additionally, this substitution occurs at a position that is conserved across species, and in silico analysis predicts this variant is probably damaging to the protein structure/function. Based on the currently available information, it is unclear whether this variant is a pathogenic variant or a rare benign variant.

NM_004519.4(KCNQ3):c.2545G>A (p.Gly849Ser)

Gene: KCNQ3 (potassium voltage-gated channel subfamily Q member 3; minus strand). Cytogenetic location: 8q24.22.
Variant type: single nucleotide variant.
Coding change: c.2545G>A on transcript NM_004519.4 (MANE Select); coding-DNA position 2545, G replaced by A.
Protein change: p.Gly849Ser; replaces glycine 849 with serine.
Molecular consequence: missense variant.
Genome position (GRCh38, 1-based): chr8:132,129,336, C>T on the plus strand (G>A on the coding strand, the complement: KCNQ3 is on the minus strand). VCF-style: chr8-132129336-C-T. GRCh37 (hg19) VCF-style: chr8-133141583-C-T.
Other names: p.Gly849Ser; c.2185G>A, p.Gly729Ser (NM_001204824.2); short protein forms G849S, G729S.
Identifiers: ClinVar variation 449652 (VCV000449652.10), dbSNP rs761201259, ClinGen allele CA4880415.